The following is an entry in ClinVar:

NM_000543.5(SMPD1):c.1092-1G>A

Gene: SMPD1 (sphingomyelin phosphodiesterase 1; plus strand). Cytogenetic location: 11p15.4.
Variant type: single nucleotide variant.
Coding change: c.1092-1G>A on transcript NM_000543.5 (MANE Select); the canonical splice acceptor site of the intron before coding-DNA position 1092, G replaced by A.
Molecular consequence: splice acceptor variant. On other transcripts: intron variant (1).
Genome position (GRCh38, 1-based): chr11:6,393,215, G>A. VCF-style: chr11-6393215-G-A. GRCh37 (hg19) VCF-style: chr11-6414445-G-A.
Other names: c.171-1G>A (NM_001318088.2); c.1132-402G>A (NM_001365135.2); c.1092-1G>A (NM_001318087.2); c.1089-1G>A (NM_001007593.3).
Identifiers: ClinVar variation 4081802 (VCV004081802.1).
Genomic context (GRCh38, chr11:6,393,215, plus strand): 5'-CCCAGCACAGGAGGACCAGGATTGGAACAAGTGTTGACCTCTCATGTTTACTTTGTTTCA[G>A]AATTGGGGGGTTCTATGCTCTTTCCCCATACCCCGGTCTCCGCCTCATCTCTCTCAATAT-3'

ClinVar aggregate classification (germline): Likely pathogenic (1 of 4 stars; one submission).

Conditions:
Acid sphingomyelinase deficiency. Identifiers: Orphanet 618899, MedGen C5243927, MONDO:0100464.

gnomAD v4.1: 1 of 1,613,656 alleles (0.000062%); highest among the groups gnomAD compares: South Asian, 0.0011%; no homozygotes.

Submission:

Myriad Genetics, Inc.
Classification: Likely pathogenic for Acid sphingomyelinase deficiency. Last evaluated: 2025-06-17. Review status: criteria provided, single submitter. Criteria: Myriad Autosomal Dominant, Autosomal Recessive and X-Linked Classification Criteria (2023). Collection method: clinical testing. Allele origin: unknown.
Comment: NM_000543.4(SMPD1):c.1092-1G>A is a variant in a canonical splice site classified as likely pathogenic in the context of Niemann-Pick disease, SMPD1-related. c.1092-1G>A has not been observed in cases with relevant disease. Relevant functional assessments of this variant are not available in the literature. c.1092-1G>A has not been observed in referenced population frequency databases. In summary, NM_000543.4(SMPD1):c.1092-1G>A is a variant in a canonical splice site in a gene where loss of function is a known mechanism of disease and is predicted to disrupt protein function. Please note: this variant was assessed in the context of healthy population screening.